The following is an entry in ClinVar:

ClinVar aggregate classification (germline): Pathogenic (1 of 4 stars; one submission).

Conditions:
Inborn genetic diseases. Identifiers: MedGen C0950123, MeSH D030342.

Submission:

Ambry Genetics
Classification: Pathogenic for Inborn genetic diseases. Last evaluated: 2025-02-26. Review status: criteria provided, single submitter. Criteria: Ambry Variant Classification Scheme 2023. Collection method: clinical testing. Allele origin: germline.
Comment: The c.356delG (p.G119Afs*151) alteration, located in exon 2 (coding exon 1) of the EXT2 gene, consists of a deletion of one nucleotide at position 356, causing a translational frameshift with a predicted alternate stop codon after 151 amino acids. This alteration is expected to result in loss of function by premature protein truncation or nonsense-mediated mRNA decay. This variant was not reported in population-based cohorts in the Genome Aggregation Database (gnomAD). Based on the available evidence, this alteration is classified as pathogenic.

NM_207122.2(EXT2):c.356del (p.Gly119fs)

Gene: EXT2 (exostosin glycosyltransferase 2; plus strand). Cytogenetic location: 11p11.2.
Variant type: Deletion.
Coding change: c.356del on transcript NM_207122.2 (MANE Select); coding-DNA position 356, one base deleted (G; older notation c.356delG).
Protein change: p.Gly119fs; shifts the reading frame from glycine 119.
Molecular consequence: frameshift variant.
Genome position (GRCh38, 1-based): chr11:44,108,068, G deleted; the last of 2 consecutive G bases (chr11:44,108,067-44,108,068); deleting either gives the same sequence. VCF-style (leftmost placement, unchanged base first): chr11-44108066-TG-T. GRCh37 (hg19) VCF-style: chr11-44129616-TG-T.
Other names: c.455del, p.Gly152fs (NM_000401.3); c.356del, p.Gly119fs (NM_001178083.3, NM_001389628.1, NM_001389630.1); short protein forms G152fs, G119fs.
Identifiers: ClinVar variation 3846884 (VCV003846884.1).